The following is an entry in ClinVar:

ClinVar aggregate classification (germline): Likely benign (1 of 4 stars; one submission).

Conditions:
PSKH1-related condition.

gnomAD v4.1: 7 of 1,613,780 alleles (0.00043%); highest among the groups gnomAD compares: Admixed American, 0.01%; no homozygotes.

Submission:

PreventionGenetics, part of Exact Sciences
Classification: Likely benign for PSKH1-related condition. Last evaluated: 2026-04-12. Review status: criteria provided, single submitter. Criteria: ACMG Guidelines, 2015. Collection method: clinical testing. Allele origin: germline.
Comment: This variant is classified as likely benign based on ACMG/AMP sequence variant interpretation guidelines (Richards et al. 2015 PMID: 25741868, with internal and published modifications).

NM_006742.3(PSKH1):c.189C>G (p.Pro63=)

Gene: PSKH1 (protein serine kinase H1; plus strand). Cytogenetic location: 16q22.1.
Variant type: single nucleotide variant.
Coding change: c.189C>G on transcript NM_006742.3 (MANE Select); coding-DNA position 189, C replaced by G.
Protein change: p.Pro63=; no amino-acid change (proline 63 retained).
Molecular consequence: synonymous variant.
Genome position (GRCh38, 1-based): chr16:67,908,938, C>G. VCF-style: chr16-67908938-C-G. GRCh37 (hg19) VCF-style: chr16-67942841-C-G.
Identifiers: ClinVar variation 4977539 (VCV004977539.1).